The following is an entry in ClinVar:

ClinVar aggregate classification (germline): Uncertain significance (1 of 4 stars; one submission).

Conditions:
Hypertrophic cardiomyopathy. Also called: HYPERTROPHIC MYOCARDIOPATHY. Identifiers: Orphanet 217569, MedGen C0007194, MeSH D002312, MONDO:0005045, HP:0001639.

Submission:

Labcorp Genetics (formerly Invitae), Labcorp
Classification: Uncertain significance for Hypertrophic cardiomyopathy. Last evaluated: 2021-06-11. Review status: criteria provided, single submitter. Criteria: Invitae Variant Classification Sherloc (09022015). Collection method: clinical testing. Allele origin: germline.
Comment: In summary, the available evidence is currently insufficient to determine the role of this variant in disease. Therefore, it has been classified as a Variant of Uncertain Significance. A computational algorithm designed to assess the pathogenicity of variants in MYH7 with regard to hypertrophic cardiomyopathy predicted this sequence change to be deleterious. The algorithm has a sensitivity of 94% and a specificity of 89% (PMID: 21310275). This variant has not been reported in the literature in individuals with MYH7-related disease. This variant is not present in population databases (ExAC no frequency). This sequence change replaces methionine with isoleucine at codon 1782 of the MYH7 protein (p.Met1782Ile). The methionine residue is highly conserved and there is a small physicochemical difference between methionine and isoleucine.

Literature cited by the submitters: PubMed 21310275.

NM_000257.4(MYH7):c.5346G>A (p.Met1782Ile)

Gene: MYH7 (myosin heavy chain 7; minus strand). Cytogenetic location: 14q11.2.
Variant type: single nucleotide variant.
Coding change: c.5346G>A on transcript NM_000257.4 (MANE Select); coding-DNA position 5346, G replaced by A.
Protein change: p.Met1782Ile; replaces methionine 1782 with isoleucine.
Molecular consequence: missense variant.
Genome position (GRCh38, 1-based): chr14:23,415,208, C>T on the plus strand (G>A on the coding strand, the complement: MYH7 is on the minus strand). VCF-style: chr14-23415208-C-T. GRCh37 (hg19) VCF-style: chr14-23884417-C-T.
Other names: short protein forms M1782I.
Identifiers: ClinVar variation 577250 (VCV000577250.8), dbSNP rs1566522632, ClinGen allele CA389035769.